The following is an entry in ClinVar:

NM_001429.4(EP300):c.3750C>T (p.Cys1250=)

Gene: EP300 (EP300 lysine acetyltransferase; plus strand). Cytogenetic location: 22q13.2.
Variant type: single nucleotide variant.
Coding change: c.3750C>T on transcript NM_001429.4 (MANE Select); coding-DNA position 3750, C replaced by T.
Protein change: p.Cys1250=; no amino-acid change (cysteine 1250 retained).
Molecular consequence: synonymous variant.
Genome position (GRCh38, 1-based): chr22:41,164,074, C>T. VCF-style: chr22-41164074-C-T. GRCh37 (hg19) VCF-style: chr22-41560078-C-T.
Other names: c.3750C>T (NM_001429.3); c.3672C>T, p.Cys1224= (NM_001362843.2).
Identifiers: ClinVar variation 1590898 (VCV001590898.11), dbSNP rs747187417, ClinGen allele CA10253235.

ClinVar aggregate classification (germline): Benign. Review status: criteria provided, single submitter (1 of 4 stars). 2 submissions from 2 submitters: Benign (1). 1 of the submissions does not count toward it. Last evaluated 2025-09-20.

Conditions:
EP300-related disorder. Also called: EP300-related condition; EP300-related disorders.
Rubinstein-Taybi syndrome due to EP300 haploinsufficiency. Also called: EP300-Related Rubinstein-Taybi Syndrome; RUBINSTEIN-TAYBI SYNDROME 2. Identifiers: Orphanet 353284, Orphanet 783, MedGen C3150941, MONDO:0013364, OMIM 613684.

Allele frequency attached by ClinVar (database versions not stated): ExAC 0.00002; gnomAD exomes 0.00002 and 0.00009; gnomAD 0.00005 and 0.00006; TOPMed 0.00006.
gnomAD v4.1: 38 of 1,613,934 alleles (0.0024%); highest among the groups gnomAD compares: East Asian, 0.036%; no homozygotes.

Submissions (2):

Labcorp Genetics (formerly Invitae), Labcorp
Classification: Benign for Rubinstein-Taybi syndrome due to EP300 haploinsufficiency. Last evaluated: 2025-09-20. Review status: criteria provided, single submitter. Criteria: Invitae Variant Classification Sherloc (09022015). Collection method: clinical testing. Allele origin: germline.

PreventionGenetics, part of Exact Sciences
Classification: Likely benign for EP300-related condition. Last evaluated: 2023-04-05. Review status: no assertion criteria provided. Collection method: clinical testing. Allele origin: germline. Not counted in ClinVar's aggregate classification.
Comment: This variant is classified as likely benign based on ACMG/AMP sequence variant interpretation guidelines (Richards et al. 2015 PMID: 25741868, with internal and published modifications).